The following is an entry in ClinVar:

ClinVar aggregate classification (germline): Uncertain significance (1 of 4 stars; one submission).

Conditions:
Mitochondrial hypertrophic cardiomyopathy with lactic acidosis due to MTO1 deficiency. Also called: Combined oxidative phosphorylation deficiency 10; CARDIOMYOPATHY, INFANTILE HYPERTROPHIC MITOCHONDRIAL, AND LACTIC ACIDOSIS. Identifiers: Orphanet 314637, MedGen C4749921, MONDO:0013865, OMIM 614702.

Allele frequency attached by ClinVar (database versions not stated): gnomAD exomes below 0.00001; TOPMed below 0.00001.
gnomAD v4.1: 1 of 1,614,190 alleles (0.000062%); highest among the groups gnomAD compares: African/African-American, 0.0013%; no homozygotes.

Submission:

Labcorp Genetics (formerly Invitae), Labcorp
Classification: Uncertain significance for Mitochondrial hypertrophic cardiomyopathy with lactic acidosis due to MTO1 deficiency. Last evaluated: 2021-09-15. Review status: criteria provided, single submitter. Criteria: Invitae Variant Classification Sherloc (09022015). Collection method: clinical testing. Allele origin: germline.
Comment: This sequence change replaces phenylalanine with serine at codon 20 of the MTO1 protein (p.Phe20Ser). The phenylalanine residue is weakly conserved and there is a large physicochemical difference between phenylalanine and serine. This variant is not present in population databases (ExAC no frequency). This variant has not been reported in the literature in individuals affected with MTO1-related conditions. Algorithms developed to predict the effect of missense changes on protein structure and function (SIFT, PolyPhen-2, Align-GVGD) all suggest that this variant is likely to be tolerated. In summary, the available evidence is currently insufficient to determine the role of this variant in disease. Therefore, it has been classified as a Variant of Uncertain Significance.

NM_012123.4(MTO1):c.59T>C (p.Phe20Ser)

Gene: MTO1 (mitochondrial tRNA translation optimization 1; plus strand). Cytogenetic location: 6q13.
Variant type: single nucleotide variant.
Coding change: c.59T>C on transcript NM_012123.4 (MANE Select); coding-DNA position 59, T replaced by C.
Protein change: p.Phe20Ser; replaces phenylalanine 20 with serine.
Molecular consequence: missense variant.
Genome position (GRCh38, 1-based): chr6:73,461,913, T>C. VCF-style: chr6-73461913-T-C. GRCh37 (hg19) VCF-style: chr6-74171636-T-C.
Other names: c.59T>C, p.Phe20Ser (NM_001123226.2, NM_133645.3); short protein forms F20S.
Identifiers: ClinVar variation 1422273 (VCV001422273.3), dbSNP rs1770828389, ClinGen allele CA364711815.